The following is an entry in ClinVar:

NM_018062.4(FANCL):c.372T>A (p.Asp124Glu)

Gene: FANCL (FA complementation group L; minus strand). Cytogenetic location: 2p16.1.
Variant type: single nucleotide variant.
Coding change: c.372T>A on transcript NM_018062.4 (MANE Select); coding-DNA position 372, T replaced by A.
Protein change: p.Asp124Glu; replaces aspartic acid 124 with glutamic acid.
Molecular consequence: missense variant.
Genome position (GRCh38, 1-based): chr2:58,221,944, A>T on the plus strand (T>A on the coding strand, the complement: FANCL is on the minus strand). VCF-style: chr2-58221944-A-T. GRCh37 (hg19) VCF-style: chr2-58449079-A-T.
Other names: c.372T>A, p.Asp124Glu (NM_001114636.2, NM_001374615.1, NM_001410792.1); short protein forms D124E.
Identifiers: ClinVar variation 1491432 (VCV001491432.6), dbSNP rs1032497636, ClinGen allele CA48734391.
Genomic context (GRCh38, chr2:58,221,944, plus strand): 5'-CATTAAGTTAAAATATATAAAACAAAGGCATTTAAAACATATTTTAAAACAGACATACTT[A>T]TCCCAACCAAGAGTTCCTATCTCTTCAATAAGGCTTGAGTAGAACTGGGGAGGAGGAGGT-3'
Protein context (NP_060532.2, residues 114-134): LIEEIGTLGW[Asp124Glu]KLVYADTCFS

ClinVar aggregate classification (germline): Uncertain significance. Review status: criteria provided, multiple submitters, no conflicts (2 of 4 stars). 2 submissions from 2 submitters: Uncertain significance (2). Last evaluated 2025-10-23.

Conditions:
Inborn genetic diseases. Identifiers: MedGen C0950123, MeSH D030342.
Fanconi anemia (FA). Also called: Fanconi's anemia. Identifiers: Orphanet 84, MedGen C0015625, MeSH D005199, MONDO:0019391.

Allele frequency attached by ClinVar (database versions not stated): gnomAD 0.00001; TOPMed 0.00004.

Submissions (2):

Ambry Genetics
Classification: Uncertain significance for Inborn genetic diseases. Last evaluated: 2025-10-23. Review status: criteria provided, single submitter. Criteria: Ambry Variant Classification Scheme 2023. Collection method: clinical testing. Allele origin: germline.

Labcorp Genetics (formerly Invitae), Labcorp
Classification: Uncertain significance for Fanconi anemia. Last evaluated: 2021-08-26. Review status: criteria provided, single submitter. Criteria: Invitae Variant Classification Sherloc (09022015). Collection method: clinical testing. Allele origin: germline.
Comment: This sequence change replaces aspartic acid with glutamic acid at codon 124 of the FANCL protein (p.Asp124Glu). The aspartic acid residue is highly conserved and there is a small physicochemical difference between aspartic acid and glutamic acid. This variant is not present in population databases (ExAC no frequency). This variant has not been reported in the literature in individuals affected with FANCL-related conditions. Algorithms developed to predict the effect of missense changes on protein structure and function are either unavailable or do not agree on the potential impact of this missense change (SIFT: "Deleterious"; PolyPhen-2: "Benign"; Align-GVGD: "Class C0"). In summary, the available evidence is currently insufficient to determine the role of this variant in disease. Therefore, it has been classified as a Variant of Uncertain Significance.